The following continues an entry in ClinVar:

NM_024675.4(PALB2):c.3296C>G (p.Thr1099Arg)

Gene: PALB2. ClinVar aggregate classification (germline): Conflicting classifications of pathogenicity. Uncertain significance (16); Benign (2); Likely benign (5).

Submissions 10 to 26 of 26:

Myriad Genetics, Inc.
Classification: Benign for Familial cancer of breast. Last evaluated: 2025-03-21. Review status: criteria provided, single submitter. Criteria: Myriad Autosomal Dominant, Autosomal Recessive and X-Linked Classification Criteria (2023). Collection method: clinical testing. Allele origin: unknown.
Comment: This variant is considered benign. This variant is strongly associated with less severe personal and family histories of cancer, typical for individuals without pathogenic variants in this gene [PMID: 25085752]. This variant has been observed in trans with a known pathogenic variant in one or more individuals lacking clinical features consistent with gene-specific recessive disease.

ARUP Laboratories, Molecular Genetics and Genomics, ARUP Laboratories
Classification: Uncertain significance. Last evaluated: 2024-09-25. Review status: criteria provided, single submitter. Criteria: ARUP Molecular Germline Variant Investigation Process 2024. Collection method: clinical testing. Allele origin: germline.
Comment: The PALB2 c.3296C>G; p.Thr1099Arg variant (rs142132127) is reported in the literature in individuals affected with breast or ovarian cancer but also in healthy controls (Breast Cancer Association Consortium 2021, Ramus 2015, Tung 2015). Additionally, this variant has been reported in the homozygous state in an individual with features of Fanconi anemia (Abdulkareem 2024). This variant is found in the general population with an overall allele frequency of 0.006% (17/282,868 alleles) in the Genome Aggregation Database (v2.1.1). Computational analyses are uncertain whether this variant is neutral or deleterious (REVEL: 0.214). However, functional analyses suggest the variant has homology-directed repair activity similar to wildtype PALB2 (Wiltshire 2020). Due to limited and conflicting information, the clinical significance of this variant is uncertain at this time. References: Abdulkareem AA et al. Whole exome sequencing of a novel homozygous missense variant in PALB2 gene leading to Fanconi anaemia complementation group. Biomed Rep. 2024 Mar 1;20(4):67. PMID: 38476606. Breast Cancer Association Consortium et al. Breast Cancer Risk Genes - Association Analysis in More than 113,000 Women. N Engl J Med. 2021 Feb 4;384(5):428-439. PMID: 33471991. Ramus SJ et al. Germline Mutations in the BRIP1, BARD1, PALB2, and NBN Genes in Women With Ovarian Cancer. J Natl Cancer Inst. 2015 Aug 27;107(11):djv214. PMID: 26315354. Tung N et al. Frequency of mutations in individuals with breast cancer referred for BRCA1 and BRCA2 testing using next-generation sequencing with a 25-gene panel. Cancer. 2015 Jan 1;121(1):25-33. PMID: 25186627. Wiltshire T et al. Functional characterization of 84 PALB2 variants of uncertain significance. Genet Med. 2020 Mar;22(3):622-632. PMID: 31636395.

Quest Diagnostics Nichols Institute San Juan Capistrano
Classification: Likely benign. Last evaluated: 2024-07-03. Review status: criteria provided, single submitter. Criteria: Quest Diagnostics criteria. Collection method: clinical testing. Allele origin: unknown.

Department of Pathology and Laboratory Medicine, Sinai Health System
Classification: Uncertain significance for Breast-ovarian cancer, familial, susceptibility to, 5. Last evaluated: 2024-04-22. Review status: criteria provided, single submitter. Criteria: ACMG Guidelines, 2015. Collection method: clinical testing. Allele origin: germline. Affected: yes.

Blueprint Genetics
Classification: Uncertain significance. Last evaluated: 2024-04-18. Review status: criteria provided, single submitter. Criteria: ACMG Guidelines, 2015. Collection method: clinical testing. Allele origin: germline.

Baylor Genetics
Classification: Uncertain significance for Familial cancer of breast. Last evaluated: 2024-02-21. Review status: criteria provided, single submitter. Criteria: ACMG Guidelines, 2015. Collection method: clinical testing. Allele origin: unknown.

Institute for Biomarker Research, Medical Diagnostic Laboratories, L.L.C.
Classification: Uncertain significance for Hereditary cancer-predisposing syndrome. Last evaluated: 2022-11-15. Review status: criteria provided, single submitter. Criteria: ACMG Guidelines, 2015. Collection method: clinical testing. Allele origin: germline.

Fulgent Genetics
Classification: Uncertain significance for Familial cancer of breast; Fanconi anemia complementation group N; Pancreatic cancer, susceptibility to, 3. Last evaluated: 2022-03-10. Review status: criteria provided, single submitter. Criteria: ACMG Guidelines, 2015. Collection method: clinical testing. Allele origin: unknown.

Sema4
Classification: Uncertain significance for Hereditary cancer-predisposing syndrome. Last evaluated: 2022-01-12. Review status: criteria provided, single submitter. Criteria: Sema4 Curation Guidelines. Collection method: curation. Allele origin: germline.
Comment: The PALB2 c.3296C>G (p.T1099R) variant has been reported in at least 3 individuals with breast and/or ovarian cancer and 1 individual with colon and bladder cancer (PMID: 25186627, 26315354, 26976419, 30883245, 31159747). The variant was detected with similar frequency between cases and controls from a breast cancer case-control study (PMID: 33471991). In silico tools suggest the impact of the variant on protein function is inconclusive. However, a homology-directed repair study demonstrated the normal function of the protein (PMID: 31636395). It was observed in 17/282868 chromosomes across the large and broad cohorts of the Genome Aggregation Database (PMID: 32461654). The variant has been reported in ClinVar (Variation ID 142504). The evidence is insufficient to meet ACMG/AMP criteria for classifying the variant as benign or pathogenic. Thus, the clinical significance of this variant is currently uncertain.

Baylor Genetics
Classification: Uncertain significance for Fanconi anemia complementation group N. Last evaluated: 2019-03-21. Review status: criteria provided, single submitter. Criteria: ACMG Guidelines, 2015. Collection method: clinical testing. Allele origin: unknown. Affected: yes. Study: CSER-TexasKidsCanSeq.
Comment: This variant was determined to be of uncertain significance according to ACMG Guidelines, 2015 [PMID:25741868]. This variant has been previously reported in patients with ovarian cancer [PMID 26315354]

GeneKor MSA
Classification: Uncertain significance for Hereditary cancer-predisposing syndrome. Last evaluated: 2018-08-01. Review status: criteria provided, single submitter. Criteria: ACMG Guidelines, 2015. Collection method: clinical testing. Allele origin: germline.

Mendelics
Classification: Uncertain significance for Hereditary cancer-predisposing syndrome. Last evaluated: 2018-07-02. Review status: criteria provided, single submitter. Criteria: Mendelics Assertion Criteria 2017. Collection method: clinical testing. Allele origin: unknown.

Genetic Services Laboratory, University of Chicago
Classification: Uncertain significance. Last evaluated: 2017-06-14. Review status: criteria provided, single submitter. Criteria: ACMG Guidelines, 2015. Collection method: clinical testing. Allele origin: germline. Affected: no.

Breakthrough Genomics
Classification: Uncertain significance. Review status: criteria provided, single submitter. Criteria: ACMG Guidelines, 2015. Collection method: not provided. Allele origin: germline. Inheritance: Autosomal dominant inheritance. Affected: yes.

OMIM
Classification: Pathogenic for FANCONI ANEMIA, COMPLEMENTATION GROUP N. Last evaluated: 2025-09-24. Review status: no assertion criteria provided. Collection method: literature only. Allele origin: germline. Not counted in ClinVar's aggregate classification.

Leiden Open Variation Database
Classification: Uncertain significance for Familial cancer of breast. Last evaluated: 2019-05-13. Review status: no assertion criteria provided. Collection method: curation. Allele origin: germline. Affected: yes. Not counted in ClinVar's aggregate classification.
Comment: Curators: Marc Tischkowitz, Arleen D. Auerbach. Submitter to LOVD: Marc Tischkowitz.

Counsyl
Classification: Uncertain significance for Familial cancer of breast. Last evaluated: 2016-03-22. Review status: no assertion criteria provided. Collection method: clinical testing. Allele origin: unknown. Not counted in ClinVar's aggregate classification.

Literature cited by the submitters: PubMed 26315354 (cited by 7 submitters); PubMed 25186627 (cited by 7 submitters); PubMed 26976419 (cited by 3 submitters); PubMed 30883245 (cited by 4 submitters); PubMed 31206626 (cited by Women's Health and Genetics/Laboratory Corporation of America, LabCorp); PubMed 31422574 (cited by Women's Health and Genetics/Laboratory Corporation of America, LabCorp and Quest Diagnostics Nichols Institute San Juan Capistrano); PubMed 31159747 (cited by 4 submitters); PubMed 31636395 (cited by 4 submitters); PubMed 31428572 (cited by Women's Health and Genetics/Laboratory Corporation of America, LabCorp and Quest Diagnostics Nichols Institute San Juan Capistrano); PubMed 30541756 (cited by Women's Health and Genetics/Laboratory Corporation of America, LabCorp); PubMed 32658311 (cited by Women's Health and Genetics/Laboratory Corporation of America, LabCorp); PubMed 29719599 (cited by Women's Health and Genetics/Laboratory Corporation of America, LabCorp); PubMed 33195396 (cited by Women's Health and Genetics/Laboratory Corporation of America, LabCorp); PubMed 33139182 (cited by Women's Health and Genetics/Laboratory Corporation of America, LabCorp); PubMed 34026625 (cited by Women's Health and Genetics/Laboratory Corporation of America, LabCorp); PubMed 35402282 (cited by Women's Health and Genetics/Laboratory Corporation of America, LabCorp and Quest Diagnostics Nichols Institute San Juan Capistrano); PubMed 35610400 (cited by Women's Health and Genetics/Laboratory Corporation of America, LabCorp and Quest Diagnostics Nichols Institute San Juan Capistrano); PubMed 36627197 (cited by Women's Health and Genetics/Laboratory Corporation of America, LabCorp); PubMed 38476606 (cited by 3 submitters); PubMed 34485163 (cited by Women's Health and Genetics/Laboratory Corporation of America, LabCorp); PubMed 31857685 (cited by Women's Health and Genetics/Laboratory Corporation of America, LabCorp); PubMed 23861464 (cited by Women's Health and Genetics/Laboratory Corporation of America, LabCorp); PubMed 30842647 (cited by Women's Health and Genetics/Laboratory Corporation of America, LabCorp); PubMed 30638972 (cited by Women's Health and Genetics/Laboratory Corporation of America, LabCorp); PubMed 28779002 (cited by 3 submitters); PubMed 33471991 (cited by 4 submitters); PubMed 25085752 (cited by Myriad Genetics, Inc.).